The following is an entry in ClinVar:

NM_001754.5(RUNX1):c.1260C>G (p.Gly420=)

Gene: RUNX1 (RUNX family transcription factor 1; minus strand). Cytogenetic location: 21q22.12.
Variant type: single nucleotide variant.
Coding change: c.1260C>G on transcript NM_001754.5 (MANE Select); coding-DNA position 1260, C replaced by G.
Protein change: p.Gly420=; no amino-acid change (glycine 420 retained).
Molecular consequence: synonymous variant.
Genome position (GRCh38, 1-based): chr21:34,792,318, G>C on the plus strand (C>G on the coding strand, the complement: RUNX1 is on the minus strand). VCF-style: chr21-34792318-G-C. GRCh37 (hg19) VCF-style: chr21-36164615-G-C.
Other names: NM_001754.5(RUNX1):c.1260C>G; p.Gly420=; c.1260C>G (NM_001754.4); c.1179C>G, p.Gly393= (NM_001001890.3).
Identifiers: ClinVar variation 1659459 (VCV001659459.27), dbSNP rs2145874515, ClinGen allele CA512341173.

ClinVar aggregate classification (germline): Likely benign. Review status: reviewed by expert panel (3 of 4 stars). 7 submissions from 7 submitters: Likely benign (1). 6 of the submissions do not count toward it. Last evaluated 2023-11-13.

Conditions:
RUNX1-related disorder. Also called: RUNX1-related condition.
Inborn genetic diseases. Identifiers: MedGen C0950123, MeSH D030342.
Hereditary thrombocytopenia and hematological cancer predisposition syndrome associated with RUNX1. Also called: RUNX1 Familial Platelet Disorder with Associated Myeloid Malignancies; PLATELET DISORDER, ASPIRIN-LIKE; Familial Platelet Disorder with Propensity to Acute Myelogenous Leukemia; Familial thrombocytopenia with propensity to acute myelogenous leukemia. Identifiers: Orphanet 71290, MedGen C1832388, MeSH C563324, MONDO:0100083, OMIM 601399.
Hereditary thrombocytopenia and hematologic cancer predisposition syndrome. Identifiers: Orphanet 71290, MedGen CN281654, MONDO:0011071.

Submissions (7):

ClinGen Myeloid Malignancy Variant Curation Expert Panel
Classification: Likely benign for Hereditary thrombocytopenia and hematologic cancer predisposition syndrome. Last evaluated: 2023-11-13. Review status: reviewed by expert panel. Criteria: ClinGen MyeloMalig ACMG Specifications v2. Collection method: curation. Allele origin: germline. Inheritance: Autosomal dominant inheritance.
Comment: The c.1260C>G (p.Gly420=) variant is a synonymous (silent) variant that is not predicted by SpliceAI to impact splicing (BP4); in addition, an evolutionary conservation algorithm predicts the site as being non-conserved (PhyloP score = -1.00262 in GRCh38) (BP7). The variant also has not been reported in relevant cases or the literature. In summary, this variant meets the criteria to be classified as likely benign for hereditary thrombocytopenia and hematologic cancer predisposition syndrome based on the ACMG/AMP criteria applied, as specified by the ClinGen Myeloid Malignancy VCEP: BP4 and BP7.

Labcorp Genetics (formerly Invitae), Labcorp
Classification: Likely benign for Hereditary thrombocytopenia and hematological cancer predisposition syndrome associated with RUNX1. Last evaluated: 2026-02-01. Review status: criteria provided, single submitter. Criteria: Invitae Variant Classification Sherloc (09022015). Collection method: clinical testing. Allele origin: germline. Not counted in ClinVar's aggregate classification.

Ambry Genetics
Classification: Likely benign for Inborn genetic diseases. Last evaluated: 2024-11-28. Review status: criteria provided, single submitter. Criteria: Ambry Variant Classification Scheme 2023. Collection method: clinical testing. Allele origin: germline. Not counted in ClinVar's aggregate classification.

Blueprint Genetics
Classification: Likely benign. Last evaluated: 2024-11-28. Review status: criteria provided, single submitter. Criteria: ACMG Guidelines, 2015. Collection method: clinical testing. Allele origin: germline. Not counted in ClinVar's aggregate classification.

CeGaT Center for Human Genetics Tuebingen
Classification: Likely benign. Last evaluated: 2024-10-01. Review status: criteria provided, single submitter. Criteria: CeGaT Center For Human Genetics Tuebingen Variant Classification Criteria Version 2. Collection method: clinical testing. Allele origin: germline. Affected: yes. Observed: 1 variant allele. Not counted in ClinVar's aggregate classification.
Comment: RUNX1: BP4, BP7

Breakthrough Genomics
Classification: Likely benign. Review status: criteria provided, single submitter. Criteria: ACMG Guidelines, 2015. Collection method: not provided. Allele origin: germline. Inheritance: Autosomal dominant inheritance. Affected: yes. Not counted in ClinVar's aggregate classification.

PreventionGenetics, part of Exact Sciences
Classification: Likely benign for RUNX1-related condition. Last evaluated: 2021-10-26. Review status: no assertion criteria provided. Collection method: clinical testing. Allele origin: germline. Not counted in ClinVar's aggregate classification.
Comment: This variant is classified as likely benign based on ACMG/AMP sequence variant interpretation guidelines (Richards et al. 2015 PMID: 25741868, with internal and published modifications).